The following is an entry in ClinVar:

NM_003839.4(TNFRSF11A):c.1601T>G (p.Ile534Ser)

Gene: TNFRSF11A (TNF receptor superfamily member 11a; plus strand). Cytogenetic location: 18q21.33.
Variant type: single nucleotide variant.
Coding change: c.1601T>G on transcript NM_003839.4 (MANE Select); coding-DNA position 1601, T replaced by G.
Protein change: p.Ile534Ser; replaces isoleucine 534 with serine.
Molecular consequence: missense variant. On other transcripts: 3 prime UTR variant (1).
Genome position (GRCh38, 1-based): chr18:62,384,784, T>G. VCF-style: chr18-62384784-T-G. GRCh37 (hg19) VCF-style: chr18-60052017-T-G.
Other names: c.*25T>G (NM_001270949.2); c.764T>G, p.Ile255Ser (NM_001270950.2); c.650T>G, p.Ile217Ser (NM_001270951.2); c.1559T>G, p.Ile520Ser (NM_001278268.2); short protein forms I520S, I534S, I217S, I255S.
Identifiers: ClinVar variation 2693276 (VCV002693276.3), dbSNP rs1446440555, ClinGen allele CA402619797.

ClinVar aggregate classification (germline): Uncertain significance (1 of 4 stars; one submission).

Submission:

Labcorp Genetics (formerly Invitae), Labcorp
Classification: Uncertain significance. Last evaluated: 2023-11-04. Review status: criteria provided, single submitter. Criteria: Invitae Variant Classification Sherloc (09022015). Collection method: clinical testing. Allele origin: germline.
Comment: This sequence change replaces isoleucine, which is neutral and non-polar, with serine, which is neutral and polar, at codon 534 of the TNFRSF11A protein (p.Ile534Ser). This variant is not present in population databases (gnomAD no frequency). This variant has not been reported in the literature in individuals affected with TNFRSF11A-related conditions. An algorithm developed to predict the effect of missense changes on protein structure and function (PolyPhen-2) suggests that this variant is likely to be disruptive. In summary, the available evidence is currently insufficient to determine the role of this variant in disease. Therefore, it has been classified as a Variant of Uncertain Significance.